The following is an entry in ClinVar:

NM_000161.3(GCH1):c.281C>A (p.Thr94Lys)

Gene: GCH1 (GTP cyclohydrolase 1; minus strand). Cytogenetic location: 14q22.2.
Variant type: single nucleotide variant.
Coding change: c.281C>A on transcript NM_000161.3 (MANE Select); coding-DNA position 281, C replaced by A.
Protein change: p.Thr94Lys; replaces threonine 94 with lysine.
Molecular consequence: missense variant.
Genome position (GRCh38, 1-based): chr14:54,902,383, G>T on the plus strand (C>A on the coding strand, the complement: GCH1 is on the minus strand). VCF-style: chr14-54902383-G-T. GRCh37 (hg19) VCF-style: chr14-55369101-G-T.
Other names: c.281C>A, p.Thr94Lys (NM_001024024.2, NM_001024070.2, NM_001024071.2); short protein forms T94K.
Identifiers: ClinVar variation 568970 (VCV000568970.9), dbSNP rs1566687244, ClinGen allele CA389793681.

ClinVar aggregate classification (germline): Likely pathogenic. Review status: criteria provided, multiple submitters, no conflicts (2 of 4 stars). 2 submissions from 2 submitters: Likely pathogenic (2). Last evaluated 2024-10-28.

Conditions:
GCH1-related disorder. Also called: GCH1-related condition.
GTP cyclohydrolase I deficiency. Identifiers: MedGen C0268467, MONDO:0100184.
Dystonia 5 (DRD). Also called: Dystonia, DOPA-responsive, with or without hyperphenylalaninemia; DYT-GCH1; DYSTONIA, PROGRESSIVE, WITH DIURNAL VARIATION; DYSTONIA-PARKINSONISM WITH DIURNAL FLUCTUATION; GTP Cyclohydrolase 1-Deficient Dopa-Responsive Dystonia. Identifiers: Orphanet 98808, MedGen C1851920, MONDO:0007495, OMIM 128230.

Submissions (2):

PreventionGenetics, part of Exact Sciences
Classification: Likely pathogenic for GCH1-related condition. Last evaluated: 2024-10-28. Review status: criteria provided, single submitter. Criteria: ACMG Guidelines, 2015. Collection method: clinical testing. Allele origin: germline.
Comment: The GCH1 c.281C>A variant is predicted to result in the amino acid substitution p.Thr94Lys. This variant has been reported in individuals with dopa-responsive dystonia (DRD) and has been shown to segregate with the disorder in at least two families (see for example, Markova et al. 1999. PubMed ID: 10457396; Saunders-Pullman et al. 2004. PMID: 15542391; Hagenah et al. 2005. PubMed ID: 15753436). An alternate nucleotide changes affecting the same amino acid (p.Thr94Met) has also been reported in individuals with DRD (see for example, Yu et al. 2013. PubMed ID: 23211702; Table S2, Dzinovic et al. 2022. PubMed ID: 35872528). The c.281C>A variant has not been reported in a large population database (gnomAD), indicating this variant is rare. This variant is interpreted as likely pathogenic.

Labcorp Genetics (formerly Invitae), Labcorp
Classification: Likely pathogenic for GTP cyclohydrolase I deficiency; Dystonia 5. Last evaluated: 2018-06-25. Review status: criteria provided, single submitter. Criteria: Invitae Variant Classification Sherloc (09022015). Collection method: clinical testing. Allele origin: germline.
Comment: In summary, the currently available evidence indicates that the variant is pathogenic, but additional data are needed to prove that conclusively. Therefore, this variant has been classified as Likely Pathogenic. Algorithms developed to predict the effect of missense changes on protein structure and function are either unavailable or do not agree on the potential impact of this missense change (SIFT: "Deleterious"; PolyPhen-2: "Probably Damaging"; Align-GVGD: "Class C0"). This variant has been observed to segregate with dopa-responsive dystonia(DRD) in a family (PMID: 10457396) and it has also been reported in an individual with DRD (PMID: 15753436). This variant is not present in population databases (ExAC no frequency). This sequence change replaces threonine with lysine at codon 94 of the GCH1 protein (p.Thr94Lys). The threonine residue is highly conserved and there is a moderate physicochemical difference between threonine and lysine.

Literature cited by the submitters: PubMed 10457396 (cited by Labcorp Genetics (formerly Invitae), Labcorp); PubMed 15753436 (cited by Labcorp Genetics (formerly Invitae), Labcorp).